The following is an entry in ClinVar:

ClinVar aggregate classification (germline): Likely pathogenic (1 of 4 stars; one submission).

Conditions:
Dilated cardiomyopathy 1G (CMD1G). Identifiers: Orphanet 154, MedGen C1858763, MONDO:0011400, OMIM 604145.
Autosomal recessive limb-girdle muscular dystrophy type 2J (LGMDR10). Also called: Limb-girdle muscular dystrophy, type 2J; MUSCULAR DYSTROPHY, LIMB-GIRDLE, AUTOSOMAL RECESSIVE 10. Identifiers: Orphanet 140922, MedGen C1837342, MONDO:0012127, OMIM 608807.

Submission:

Labcorp Genetics (formerly Invitae), Labcorp
Classification: Likely pathogenic for Dilated cardiomyopathy 1G; Autosomal recessive limb-girdle muscular dystrophy type 2J. Last evaluated: 2023-07-25. Review status: criteria provided, single submitter. Criteria: Invitae Variant Classification Sherloc (09022015). Collection method: clinical testing. Allele origin: germline.
Comment: In summary, the currently available evidence indicates that the variant is pathogenic, but additional data are needed to prove that conclusively. Therefore, this variant has been classified as Likely Pathogenic. This variant is located in the A band of TTN (PMID: 25589632). Truncating variants in this region are significantly overrepresented in patients affected with dilated cardiomyopathy (PMID: 25589632). Truncating variants in this region have also been reported in individuals affected with autosomal recessive centronuclear myopathy (PMID: 23975875). This variant has not been reported in the literature in individuals affected with TTN-related conditions. This variant is not present in population databases (gnomAD no frequency). This sequence change creates a premature translational stop signal (p.Asn30688Metfs*44) in the TTN gene. While this is not anticipated to result in nonsense mediated decay, it is expected to create a truncated TTN protein.

Literature cited by the submitters: PubMed 25589632; PubMed 23975875.

NM_001267550.2(TTN):c.92063del (p.Asn30688fs)

Genes: TTN-AS1 (TTN antisense RNA 1; plus strand), TTN (titin; minus strand). Cytogenetic location: 2q31.2.
Variant type: Deletion.
Coding change: c.92063del on transcript NM_001267550.2 (MANE Select); coding-DNA position 92063, one base deleted (A; older notation c.92063delA).
Protein change: p.Asn30688fs; shifts the reading frame from asparagine 30688.
Molecular consequence: frameshift variant.
Genome position (GRCh38, 1-based): chr2:178,549,659, T deleted on the plus strand (A on the coding strand, the reverse complement: TTN is on the minus strand); the first of 2 consecutive T bases (chr2:178,549,659-178,549,660); deleting either gives the same sequence. VCF-style (leftmost placement, unchanged base first): chr2-178549658-AT-A. GRCh37 (hg19) VCF-style: chr2-179414385-AT-A.
Other names: c.87140del, p.Asn29047fs (NM_001256850.1); c.64868del, p.Asn21623fs (NM_003319.4); c.84359del, p.Asn28120fs (NM_133378.4); c.65243del, p.Asn21748fs (NM_133432.3); c.65444del, p.Asn21815fs (NM_133437.4); short protein forms N29047fs, N21623fs, N21748fs, N21815fs, N28120fs, N30688fs.
Identifiers: ClinVar variation 2950286 (VCV002950286.3), dbSNP rs2469171107, ClinGen allele CA2740095984.